The following is an entry in ClinVar:

NM_000059.4(BRCA2):c.10211del (p.Cys3404fs)

Gene: BRCA2 (BRCA2 DNA repair associated; plus strand). Cytogenetic location: 13q13.1.
Variant type: Deletion.
Coding change: c.10211del on transcript NM_000059.4 (MANE Select); coding-DNA position 10211, one base deleted (G; older notation c.10211delG).
Protein change: p.Cys3404fs; shifts the reading frame from cysteine 3404.
Molecular consequence: frameshift variant.
Genome position (GRCh38, 1-based): chr13:32,398,724, G deleted. VCF-style (leftmost placement, unchanged base first): chr13-32398723-TG-T. GRCh37 (hg19) VCF-style: chr13-32972860-TG-T.
Other names: short protein forms C3404fs.
Identifiers: ClinVar variation 1660066 (VCV001660066.8), dbSNP rs2137667700, ClinGen allele CA2573149525.

ClinVar aggregate classification (germline): Uncertain significance (1 of 4 stars; one submission).

Conditions:
Hereditary breast ovarian cancer syndrome. Also called: Hereditary breast and/or ovarian cancer syndrome; Hereditary breast and ovarian cancer; Hereditary breast and ovarian cancer syndrome (HBOC); Breast and ovarian cancer; BRCA1- and BRCA2-Associated Hereditary Breast and Ovarian Cancer; Hereditary breast and ovarian cancer syndrome. Identifiers: Orphanet 145, MedGen C0677776, MeSH D061325, MONDO:0003582. Disease mechanism: loss of function.

Submission:

Labcorp Genetics (formerly Invitae), Labcorp
Classification: Uncertain significance for Hereditary breast ovarian cancer syndrome. Last evaluated: 2023-07-14. Review status: criteria provided, single submitter. Criteria: Invitae Variant Classification Sherloc (09022015). Collection method: clinical testing. Allele origin: germline.
Comment: This variant is not present in population databases (gnomAD no frequency). ClinVar contains an entry for this variant (Variation ID: 1660066). This variant has not been reported in the literature in individuals affected with BRCA2-related conditions. This sequence change results in a frameshift in the BRCA2 gene (p.Cys3404Leufs*23). While this is not anticipated to result in nonsense mediated decay, it is expected to disrupt the last 15 amino acid(s) of the BRCA2 protein and extend the protein by 7 additional amino acid residues. In summary, the available evidence is currently insufficient to determine the role of this variant in disease. Therefore, it has been classified as a Variant of Uncertain Significance.